The following is an entry in ClinVar:

ClinVar aggregate classification (germline): Benign. Review status: criteria provided, single submitter (1 of 4 stars). 2 submissions from 2 submitters: Benign (1). 1 of the submissions does not count toward it. Last evaluated 2025-12-28.

Conditions:
L1CAM-related disorder. Also called: L1CAM-related condition.
Spastic paraplegia. Identifiers: MedGen C0037772, HP:0001258.

Allele frequency attached by ClinVar (database versions not stated): 1000 Genomes Project 0.00053; gnomAD 0.00007; 1000 Genomes Project 30x 0.00042; TOPMed 0.00005; ExAC 0.00018; gnomAD exomes 0.00016.
gnomAD v4.1: 181 of 1,208,766 alleles (0.015%); highest among the groups gnomAD compares: East Asian, 0.53%; no homozygotes.

Submissions (2):

Labcorp Genetics (formerly Invitae), Labcorp
Classification: Benign for Spastic paraplegia. Last evaluated: 2025-12-28. Review status: criteria provided, single submitter. Criteria: Invitae Variant Classification Sherloc (09022015). Collection method: clinical testing. Allele origin: germline.

PreventionGenetics, part of Exact Sciences
Classification: Likely benign for L1CAM-related condition. Last evaluated: 2020-02-28. Review status: no assertion criteria provided. Collection method: clinical testing. Allele origin: germline. Not counted in ClinVar's aggregate classification.
Comment: This variant is classified as likely benign based on ACMG/AMP sequence variant interpretation guidelines (Richards et al. 2015 PMID: 25741868, with internal and published modifications).

NM_001278116.2(L1CAM):c.1721G>A (p.Gly574Glu)

Gene: L1CAM (L1 cell adhesion molecule; minus strand). Cytogenetic location: Xq28.
Variant type: single nucleotide variant.
Coding change: c.1721G>A on transcript NM_001278116.2 (MANE Select); coding-DNA position 1721, G replaced by A.
Protein change: p.Gly574Glu; replaces glycine 574 with glutamic acid.
Molecular consequence: missense variant.
Genome position (GRCh38, 1-based): chrX:153,868,105, C>T on the plus strand (G>A on the coding strand, the complement: L1CAM is on the minus strand). VCF-style: chrX-153868105-C-T. GRCh37 (hg19) VCF-style: chrX-153133560-C-T.
Other names: c.1721G>A, p.Gly574Glu (NM_000425.5, NM_024003.3); c.1706G>A, p.Gly569Glu (NM_001143963.2); c.1721G>A (NM_000425.4); short protein forms G569E, G574E.
Identifiers: ClinVar variation 2864212 (VCV002864212.5), dbSNP rs185384091, ClinGen allele CA10554311.
Genomic context (GRCh38, chrX:153,868,105, plus strand): 5'-CTGGCCACGCAGCTGTAGTTGCCCTGGTCGCTGTAGTCCAGGCTGTGGATGACCAGGCGC[C>T]CATCCTCTATGAAGTACCTGCGGAGGAGCCGTGTCTGTCTTTCCTGCCATCTGGGCTCTT-3'
Protein context (NP_001265045.1, residues 564-584): GDSDKYFIED[Gly574Glu]RLVIHSLDYS